The following is an entry in ClinVar:

ClinVar aggregate classification (germline): Conflicting classifications of pathogenicity. Review status: criteria provided, conflicting classifications (1 of 4 stars). 9 submissions from 8 submitters: Uncertain significance (3); Benign (1); Likely benign (3). 2 of the submissions do not count toward it. Last evaluated 2025-11-19.

Conditions:
Autosomal dominant nonsyndromic hearing loss 17. Also called: Deafness, autosomal dominant 17; Autosomal dominant nonsyndromic deafness 17. Identifiers: Orphanet 90635, MedGen C1863659, MONDO:0011350, OMIM 603622.
Nephrotic syndrome. Identifiers: MedGen C0027726, MONDO:0005377, HP:0000100.
MYH9-related disorder. Identifiers: MedGen C1854520.

Allele frequency attached by ClinVar (database versions not stated): ExAC 0.00022; ESP Exome Variant Server 0.00023; gnomAD exomes 0.00023 and 0.00039; gnomAD 0.00025 and 0.00026; TOPMed 0.00027.
gnomAD v4.1: 595 of 1,613,736 alleles (0.037%); highest among the groups gnomAD compares: Non-Finnish European, 0.048%; no homozygotes.

Submissions (9):

Labcorp Genetics (formerly Invitae), Labcorp
Classification: Likely benign. Last evaluated: 2025-11-19. Review status: criteria provided, single submitter. Criteria: Invitae Variant Classification Sherloc (09022015). Collection method: clinical testing. Allele origin: germline.

Women's Health and Genetics/Laboratory Corporation of America, LabCorp
Classification: Uncertain significance. Last evaluated: 2025-10-08. Review status: criteria provided, single submitter. Criteria: LabCorp Variant Classification Summary - May 2015. Collection method: clinical testing. Allele origin: germline.
Comment: Variant summary: MYH9 c.5878G>A (p.Glu1960Lys) results in a conservative amino acid change in the encoded protein sequence. Algorithms developed to predict the effect of missense changes on protein structure and function are either unavailable or do not agree on the potential impact of this missense change. The variant allele was found at a frequency of 0.00023 in 251262 control chromosomes. This frequency is not significantly higher than estimated for disease-causing variants in MYH9, allowing no conclusion about variant significance. c.5878G>A has been observed in individual(s) affected with hereditary thrombocytopenia (Zhang_2021). These report(s) do not provide unequivocal conclusions about association of the variant with Macrothrombocytopenia And Granulocyte Inclusions With Or Without Nephritis Or Sensorineural Hearing Loss. To our knowledge, no experimental evidence demonstrating an impact on protein function has been reported. The following publication has been ascertained in the context of this evaluation (PMID: 34237177). ClinVar contains an entry for this variant (Variation ID: 902430). Based on the evidence outlined above, the variant was classified as uncertain significance.

GeneDx
Classification: Likely benign. Last evaluated: 2025-09-08. Review status: criteria provided, single submitter. Criteria: GeneDx Variant Classification Process June 2021. Collection method: clinical testing. Allele origin: germline. Affected: yes.
Comment: See Variant Classification Assertion Criteria.

Mayo Clinic Laboratories, Mayo Clinic
Classification: Uncertain significance. Last evaluated: 2025-03-12. Review status: criteria provided, single submitter. Criteria: ACMG Guidelines, 2015. Collection method: clinical testing. Allele origin: germline. Observed: 2 variant alleles.
Comment: BS1, PP2

Blueprint Genetics
Classification: Likely benign. Last evaluated: 2024-09-19. Review status: criteria provided, single submitter. Criteria: ACMG Guidelines, 2015. Collection method: clinical testing. Allele origin: germline.

Illumina Laboratory Services, Illumina
Classification: Benign for MYH9-related disorder. Last evaluated: 2018-01-12. Review status: criteria provided, single submitter. Criteria: ICSL Variant Classification Criteria 13 December 2019. Collection method: clinical testing. Allele origin: germline.
Comment: This variant was observed in the ICSL laboratory as part of a predisposition screen in an ostensibly healthy population. It had not been previously curated by ICSL or reported in the Human Gene Mutation Database (HGMD: prior to June 1st, 2018), and was therefore a candidate for classification through an automated scoring system. Utilizing variant allele frequency, disease prevalence and penetrance estimates, and inheritance mode, an automated score was calculated to assess if this variant is too frequent to cause the disease. Based on the score and internal cut-off values, a variant classified as benign is not then subjected to further curation. The score for this variant resulted in a classification of benign for this disease.

Illumina Laboratory Services, Illumina
Classification: Uncertain significance for Autosomal dominant nonsyndromic hearing loss 17. Last evaluated: 2018-01-12. Review status: criteria provided, single submitter. Criteria: ICSL Variant Classification Criteria 13 December 2019. Collection method: clinical testing. Allele origin: germline.

PreventionGenetics, part of Exact Sciences
Classification: Uncertain significance for MYH9-related condition. Last evaluated: 2024-03-22. Review status: no assertion criteria provided. Collection method: clinical testing. Allele origin: germline. Not counted in ClinVar's aggregate classification.
Comment: The MYH9 c.5878G>A variant is predicted to result in the amino acid substitution p.Glu1960Lys. To our knowledge, this variant has not been reported in the literature. This variant is reported in 0.046% of alleles in individuals of European (Non-Finnish) descent in gnomAD, which is likely too frequent for an unreported disease-associated variant. Although we suspect that this variant may be benign, at this time, the clinical significance of this variant is uncertain due to the absence of conclusive functional and genetic evidence.

Sydney Genome Diagnostics, Children's Hospital Westmead
Classification: Uncertain significance for Nephrotic syndrome. Last evaluated: 2018-02-28. Review status: no assertion criteria provided. Collection method: clinical testing. Allele origin: unknown. Affected: yes. Observed: 1 variant allele, 1 heterozygote. Not counted in ClinVar's aggregate classification.

Literature cited by the submitters: PubMed 34237177 (cited by Women's Health and Genetics/Laboratory Corporation of America, LabCorp and Mayo Clinic Laboratories, Mayo Clinic); PubMed 29090586 (cited by Mayo Clinic Laboratories, Mayo Clinic).

NM_002473.6(MYH9):c.5878G>A (p.Glu1960Lys)

Gene: MYH9 (myosin heavy chain 9; minus strand). Cytogenetic location: 22q12.3.
Variant type: single nucleotide variant.
Coding change: c.5878G>A on transcript NM_002473.6 (MANE Select); coding-DNA position 5878, G replaced by A.
Protein change: p.Glu1960Lys; replaces glutamic acid 1960 with lysine.
Molecular consequence: missense variant.
Genome position (GRCh38, 1-based): chr22:36,282,673, C>T on the plus strand (G>A on the coding strand, the complement: MYH9 is on the minus strand). VCF-style: chr22-36282673-C-T. GRCh37 (hg19) VCF-style: chr22-36678719-C-T.
Other names: p.Glu1960Lys; short protein forms E1960K.
Identifiers: ClinVar variation 902430 (VCV000902430.18), dbSNP rs149560153, ClinGen allele CA10208882.